The following is an entry in ClinVar:

NM_001830.4(CLCN4):c.2003T>G (p.Ile668Ser)

Gene: CLCN4 (chloride voltage-gated channel 4; plus strand). Cytogenetic location: Xp22.2.
Variant type: single nucleotide variant.
Coding change: c.2003T>G on transcript NM_001830.4 (MANE Select); coding-DNA position 2003, T replaced by G.
Protein change: p.Ile668Ser; replaces isoleucine 668 with serine.
Molecular consequence: missense variant.
Genome position (GRCh38, 1-based): chrX:10,220,688, T>G. VCF-style: chrX-10220688-T-G. GRCh37 (hg19) VCF-style: chrX-10188728-T-G.
Other names: c.1721T>G, p.Ile574Ser (NM_001256944.2); short protein forms I668S, I574S.
Identifiers: ClinVar variation 1906721 (VCV001906721.5), dbSNP rs1924836688, ClinGen allele CA412044205.

ClinVar aggregate classification (germline): Uncertain significance (1 of 4 stars; one submission).

Submission:

Labcorp Genetics (formerly Invitae), Labcorp
Classification: Uncertain significance. Last evaluated: 2021-12-16. Review status: criteria provided, single submitter. Criteria: Invitae Variant Classification Sherloc (09022015). Collection method: clinical testing. Allele origin: germline.
Comment: In summary, the available evidence is currently insufficient to determine the role of this variant in disease. Therefore, it has been classified as a Variant of Uncertain Significance. Algorithms developed to predict the effect of missense changes on protein structure and function are either unavailable or do not agree on the potential impact of this missense change (SIFT: "Deleterious"; PolyPhen-2: "Benign"; Align-GVGD: "Class C0"). This sequence change replaces isoleucine, which is neutral and non-polar, with serine, which is neutral and polar, at codon 668 of the CLCN4 protein (p.Ile668Ser). This variant is not present in population databases (gnomAD no frequency). This variant has not been reported in the literature in individuals affected with CLCN4-related conditions.